The following is an entry in ClinVar:

ClinVar aggregate classification (germline): Likely benign. Review status: criteria provided, multiple submitters, no conflicts (2 of 4 stars). 3 submissions from 3 submitters: Likely benign (3). Last evaluated 2025-12-03.

Conditions:
Cardiovascular phenotype. Identifiers: MedGen CN230736.
Brugada syndrome 8 (BRGDA8). Identifiers: Orphanet 130, MedGen C2751083, MONDO:0013148, OMIM 613123.

Allele frequency attached by ClinVar (database versions not stated): gnomAD 0.00002 and 0.00003; gnomAD exomes 0.00002 and 0.00004; TOPMed 0.00005; ExAC 0.00007.

Submissions (3):

Labcorp Genetics (formerly Invitae), Labcorp
Classification: Likely benign for Brugada syndrome 8. Last evaluated: 2025-12-03. Review status: criteria provided, single submitter. Criteria: Invitae Variant Classification Sherloc (09022015). Collection method: clinical testing. Allele origin: germline.

Ambry Genetics
Classification: Likely benign for Cardiovascular phenotype. Last evaluated: 2020-01-24. Review status: criteria provided, single submitter. Criteria: Ambry Variant Classification Scheme 2023. Collection method: clinical testing. Allele origin: germline.

GeneDx
Classification: Likely benign. Last evaluated: 2017-04-27. Review status: criteria provided, single submitter. Criteria: GeneDx Variant Classification (06012015). Collection method: clinical testing. Allele origin: germline. Affected: yes.
Comment: This variant is considered likely benign or benign based on one or more of the following criteria: it is a conservative change, it occurs at a poorly conserved position in the protein, it is predicted to be benign by multiple in silico algorithms, and/or has population frequency not consistent with disease.

NM_005477.3(HCN4):c.102G>A (p.Glu34=)

Gene: HCN4 (hyperpolarization activated cyclic nucleotide gated potassium channel 4; minus strand). Cytogenetic location: 15q24.1.
Variant type: single nucleotide variant.
Coding change: c.102G>A on transcript NM_005477.3 (MANE Select); coding-DNA position 102, G replaced by A.
Protein change: p.Glu34=; no amino-acid change (glutamic acid 34 retained).
Molecular consequence: synonymous variant.
Genome position (GRCh38, 1-based): chr15:73,368,169, C>T on the plus strand (G>A on the coding strand, the complement: HCN4 is on the minus strand). VCF-style: chr15-73368169-C-T. GRCh37 (hg19) VCF-style: chr15-73660510-C-T.
Identifiers: ClinVar variation 412789 (VCV000412789.13), dbSNP rs764116333, ClinGen allele CA7649504.